The following is an entry in ClinVar:

NM_004793.4(LONP1):c.1009G>A (p.Ala337Thr)

Gene: LONP1 (lon peptidase 1, mitochondrial; minus strand). Cytogenetic location: 19p13.3.
Variant type: single nucleotide variant.
Coding change: c.1009G>A on transcript NM_004793.4 (MANE Select); coding-DNA position 1009, G replaced by A.
Protein change: p.Ala337Thr; replaces alanine 337 with threonine.
Molecular consequence: missense variant. On other transcripts: non-coding transcript variant (1).
Genome position (GRCh38, 1-based): chr19:5,707,750, C>T on the plus strand (G>A on the coding strand, the complement: LONP1 is on the minus strand). VCF-style: chr19-5707750-C-T. GRCh37 (hg19) VCF-style: chr19-5707761-C-T.
Other names: c.1009G>A (NM_004793.2); c.817G>A, p.Ala273Thr (NM_001276479.2); c.421G>A, p.Ala141Thr (NM_001276480.1); short protein forms A337T, A273T, A141T.
Identifiers: ClinVar variation 2058031 (VCV002058031.6), dbSNP rs759786960, ClinGen allele CA9114877.
Genomic context (GRCh38, chr19:5,707,750, plus strand): 5'-CACTCACATTGGTCTCTTCCAGGACGTCCTGCAGCTCATGGGACTCGGCCCCGGTGAGCG[C>T]GGCGCCCATGTCGCTCAGGTAGATGGGGTTGTCCACCACCCGCTGGCCAGCCTGCATCAT-3'
Protein context (NP_004784.2, residues 327-347): NPIYLSDMGA[Ala337Thr]LTGAESHELQ

ClinVar aggregate classification (germline): Uncertain significance. Review status: criteria provided, multiple submitters, no conflicts (2 of 4 stars). 3 submissions from 3 submitters: Uncertain significance (3). Last evaluated 2024-09-16.

Conditions:
Inborn genetic diseases. Identifiers: MedGen C0950123, MeSH D030342.

Allele frequency attached by ClinVar (database versions not stated): ExAC 0.00001; gnomAD 0.00003; TOPMed 0.00006.
gnomAD v4.1: 38 of 1,613,226 alleles (0.0024%); highest among the groups gnomAD compares: Admixed American, 0.013%; no homozygotes.

Submissions (3):

Blueprint Genetics
Classification: Uncertain significance. Last evaluated: 2024-09-16. Review status: criteria provided, single submitter. Criteria: ACMG Guidelines, 2015. Collection method: clinical testing. Allele origin: germline.

Ambry Genetics
Classification: Uncertain significance for Inborn genetic diseases. Last evaluated: 2024-03-05. Review status: criteria provided, single submitter. Criteria: Ambry Variant Classification Scheme 2023. Collection method: clinical testing. Allele origin: germline.

Labcorp Genetics (formerly Invitae), Labcorp
Classification: Uncertain significance. Last evaluated: 2024-01-06. Review status: criteria provided, single submitter. Criteria: Invitae Variant Classification Sherloc (09022015). Collection method: clinical testing. Allele origin: germline.
Comment: This sequence change replaces alanine, which is neutral and non-polar, with threonine, which is neutral and polar, at codon 337 of the LONP1 protein (p.Ala337Thr). This variant is present in population databases (rs759786960, gnomAD 0.01%). This variant has not been reported in the literature in individuals affected with LONP1-related conditions. ClinVar contains an entry for this variant (Variation ID: 2058031). Advanced modeling of protein sequence and biophysical properties (such as structural, functional, and spatial information, amino acid conservation, physicochemical variation, residue mobility, and thermodynamic stability) performed at Invitae indicates that this missense variant is not expected to disrupt LONP1 protein function with a negative predictive value of 80%. In summary, the available evidence is currently insufficient to determine the role of this variant in disease. Therefore, it has been classified as a Variant of Uncertain Significance.